The following is an entry in ClinVar:

NM_001048174.2(MUTYH):c.871G>T (p.Ala291Ser)

Gene: MUTYH (mutY DNA glycosylase; minus strand). Cytogenetic location: 1p34.1.
Variant type: single nucleotide variant.
Coding change: c.871G>T on transcript NM_001048174.2 (MANE Select); coding-DNA position 871, G replaced by T.
Protein change: p.Ala291Ser; replaces alanine 291 with serine.
Molecular consequence: missense variant. On other transcripts: non-coding transcript variant (7).
Genome position (GRCh38, 1-based): chr1:45,332,065, C>A on the plus strand (G>T on the coding strand, the complement: MUTYH is on the minus strand). VCF-style: chr1-45332065-C-A. GRCh37 (hg19) VCF-style: chr1-45797737-C-A.
Other names: c.871G>T, p.Ala291Ser (NM_001048171.2, NM_001407070.1, NM_001407072.1 and 6 more transcripts); c.874G>T, p.Ala292Ser (NM_001048172.2, NM_001407071.1, NM_001407078.1 and 1 more transcripts); c.526G>T, p.Ala176Ser (NM_001350651.2, NM_001350650.2, NM_001407082.1); c.904G>T, p.Ala302Ser (NM_001407069.1, NM_001407077.1, NM_001293191.2); c.787G>T, p.Ala263Ser (NM_001407075.1); c.595G>T, p.Ala199Ser (NM_001407091.1, NM_001293192.2, NM_001293196.2); c.946G>T, p.Ala316Ser (NM_012222.3); c.955G>T, p.Ala319Ser (NM_001128425.2); and 5 more; short protein forms A176S, A278S, A291S, A302S, A277S, A306S, A292S, A298S.
Identifiers: ClinVar variation 4112841 (VCV004112841.1).
Genomic context (GRCh38, chr1:45,332,065, plus strand): 5'-GCTAGGTTTGGTGCTCACCACACTCCTCCACGTCAGGACTGCCCGACAGGCTCCCTGAGG[C>A]TAAGAGCTGTTCCTGCTCCACCTGAGAGGCACAGGGTTGAGTGTCATAGGGCAGAGTCAC-3'
Protein context (NP_001041639.1, residues 281-301): RQRVEQEQLL[Ala291Ser]SGSLSGSPDV

ClinVar aggregate classification (germline): Uncertain significance (1 of 4 stars; one submission).

Conditions:
Hereditary cancer-predisposing syndrome. Also called: Tumor predisposition; Neoplastic Syndromes, Hereditary; Hereditary neoplastic syndrome; Hereditary Cancer Syndrome. Identifiers: Orphanet 140162, MedGen C0027672, MeSH D009386, MONDO:0015356.

gnomAD v4.1: 1 of 1,614,228 alleles (0.000062%); highest among the groups gnomAD compares: East Asian, 0.0022%; no homozygotes.

Submission:

Ambry Genetics
Classification: Uncertain significance for Hereditary cancer-predisposing syndrome. Last evaluated: 2025-08-27. Review status: criteria provided, single submitter. Criteria: Ambry Variant Classification Scheme 2023. Collection method: clinical testing. Allele origin: germline.
Comment: The p.A319S variant (also known as c.955G>T), located in coding exon 11 of the MUTYH gene, results from a G to T substitution at nucleotide position 955. The alanine at codon 319 is replaced by serine, an amino acid with similar properties. This amino acid position is conserved. In addition, this alteration is predicted to be tolerated by in silico analysis. Based on the available evidence, the clinical significance of this variant remains unclear.